The following is an entry in ClinVar:

ClinVar aggregate classification (germline): Uncertain significance. Review status: criteria provided, multiple submitters, no conflicts (2 of 4 stars). 2 submissions from 2 submitters: Uncertain significance (2). Last evaluated 2024-12-09.

Conditions:
Inborn genetic diseases. Identifiers: MedGen C0950123, MeSH D030342.

gnomAD v4.1: 1 of 1,613,922 alleles (0.000062%); highest among the groups gnomAD compares: Non-Finnish European, 0.000085%; no homozygotes.

Submissions (2):

Ambry Genetics
Classification: Uncertain significance for Inborn genetic diseases. Last evaluated: 2024-12-09. Review status: criteria provided, single submitter. Criteria: Ambry Variant Classification Scheme 2023. Collection method: clinical testing. Allele origin: germline.
Comment: The p.M79R variant (also known as c.236T>G), located in coding exon 1 of the ANKRD26 gene, results from a T to G substitution at nucleotide position 236. The methionine at codon 79 is replaced by arginine, an amino acid with similar properties. This amino acid position is conserved. In addition, this alteration is predicted to be tolerated by in silico analysis. Based on the available evidence, the clinical significance of this variant remains unclear.

Labcorp Genetics (formerly Invitae), Labcorp
Classification: Uncertain significance. Last evaluated: 2023-08-04. Review status: criteria provided, single submitter. Criteria: Invitae Variant Classification Sherloc (09022015). Collection method: clinical testing. Allele origin: germline.
Comment: This sequence change replaces methionine, which is neutral and non-polar, with arginine, which is basic and polar, at codon 79 of the ANKRD26 protein (p.Met79Arg). This variant is not present in population databases (gnomAD no frequency). This variant has not been reported in the literature in individuals affected with ANKRD26-related conditions. Algorithms developed to predict the effect of missense changes on protein structure and function output the following: SIFT: "Not Available"; PolyPhen-2: "Benign"; Align-GVGD: "Not Available". The arginine amino acid residue is found in multiple mammalian species, which suggests that this missense change does not adversely affect protein function. In summary, the available evidence is currently insufficient to determine the role of this variant in disease. Therefore, it has been classified as a Variant of Uncertain Significance.

NM_014915.3(ANKRD26):c.236T>G (p.Met79Arg)

Gene: ANKRD26 (ankyrin repeat domain 26; minus strand). Cytogenetic location: 10p12.1.
Variant type: single nucleotide variant.
Coding change: c.236T>G on transcript NM_014915.3 (MANE Select); coding-DNA position 236, T replaced by G.
Protein change: p.Met79Arg; replaces methionine 79 with arginine.
Molecular consequence: missense variant.
Genome position (GRCh38, 1-based): chr10:27,100,091, A>C on the plus strand (T>G on the coding strand, the complement: ANKRD26 is on the minus strand). VCF-style: chr10-27100091-A-C. GRCh37 (hg19) VCF-style: chr10-27389020-A-C.
Other names: c.236T>G, p.Met79Arg (NM_001256053.2); short protein forms M79R.
Identifiers: ClinVar variation 3019865 (VCV003019865.4), dbSNP rs2056598269, ClinGen allele CA376369341.